The following is an entry in ClinVar:

NM_001029896.2(WDR45):c.341+5G>A

Gene: WDR45 (WD repeat domain 45; minus strand). Cytogenetic location: Xp11.23.
Variant type: single nucleotide variant.
Coding change: c.341+5G>A on transcript NM_001029896.2 (MANE Select); 5 bases into the intron after coding-DNA position 341, G replaced by A.
Molecular consequence: intron variant.
Genome position (GRCh38, 1-based): chrX:49,076,640, C>T on the plus strand (G>A on the coding strand, the complement: WDR45 is on the minus strand). VCF-style: chrX-49076640-C-T. GRCh37 (hg19) VCF-style: chrX-48934299-C-T.
Other names: c.344+5G>A (NM_007075.4).
Identifiers: ClinVar variation 4055772 (VCV004055772.1).

ClinVar aggregate classification (germline): Pathogenic (1 of 4 stars; one submission).

Submission:

GeneDx
Classification: Pathogenic. Last evaluated: 2025-01-03. Review status: criteria provided, single submitter. Criteria: GeneDx Variant Classification Process June 2021. Collection method: clinical testing. Allele origin: germline. Affected: yes.
Comment: Intronic variant directly or indirectly altering the +5 splice site in a gene for which loss of function is a known mechanism of disease, and splice predictors support a deleterious effect; Not observed at significant frequency in large population cohorts (gnomAD); This variant is associated with the following publications: (PMID: 32253874)